The following is an entry in ClinVar:

NM_001384732.1(CPLANE1):c.9376C>T (p.Gln3126Ter)

Gene: CPLANE1 (ciliogenesis and planar polarity effector complex subunit 1; minus strand). Cytogenetic location: 5p13.2.
Variant type: single nucleotide variant.
Coding change: c.9376C>T on transcript NM_001384732.1 (MANE Select); coding-DNA position 9376, C replaced by T.
Protein change: p.Gln3126Ter; replaces glutamine 3126 with a stop codon.
Molecular consequence: nonsense.
Genome position (GRCh38, 1-based): chr5:37,114,984, G>A on the plus strand (C>T on the coding strand, the complement: CPLANE1 is on the minus strand). VCF-style: chr5-37114984-G-A. GRCh37 (hg19) VCF-style: chr5-37115086-G-A.
Other names: c.9214C>T, p.Gln3072Ter (NM_023073.4); short protein forms Q3072*, Q3126*.
Identifiers: ClinVar variation 1701475 (VCV001701475.31), dbSNP rs759580516, ClinGen allele CA3237487.
Genomic context (GRCh38, chr5:37,114,984, plus strand): 5'-ATTAAGTCTAAAAACTTTATCTTCTTTATCCCTTACCTTTTTGGAAGGTAACTGGAGACT[G>A]CGTAGCCTTTCTTACTGCTGCTTTGGCTCCACCAGCTTTTTTCTGTATGGTGAAAGTGGC-3'

ClinVar aggregate classification (germline): Pathogenic (1 of 4 stars; one submission).

Allele frequency attached by ClinVar (database versions not stated): gnomAD exomes below 0.00001; ExAC 0.00001.
gnomAD v4.1: 2 of 1,610,192 alleles (0.00012%); highest among the groups gnomAD compares: Non-Finnish European, 0.00017%; no homozygotes.

Submission:

CeGaT Center for Human Genetics Tuebingen
Classification: Pathogenic. Last evaluated: 2022-07-01. Review status: criteria provided, single submitter. Criteria: CeGaT Center For Human Genetics Tuebingen Variant Classification Criteria Version 2. Collection method: clinical testing. Allele origin: germline. Affected: yes. Observed: 1 variant allele.
Comment: CPLANE1: PVS1, PM2, PM3